The following is an entry in ClinVar:

NM_000548.5(TSC2):c.4569+1G>A

Gene: TSC2 (TSC complex subunit 2; plus strand). Cytogenetic location: 16p13.3.
Variant type: single nucleotide variant.
Coding change: c.4569+1G>A on transcript NM_000548.5 (MANE Select); the canonical splice donor site of the intron after coding-DNA position 4569, G replaced by A.
Molecular consequence: splice donor variant.
Genome position (GRCh38, 1-based): chr16:2,085,027, G>A. VCF-style: chr16-2085027-G-A. GRCh37 (hg19) VCF-style: chr16-2135028-G-A.
Other names: c.3027+1G>A (NM_001406693.1, NM_001406692.1, NM_001406694.1); c.4461+1G>A (NM_001406667.1); c.4458+1G>A (NM_001406668.1); c.3969+1G>A (NM_001406680.1); c.3900+1G>A (NM_001406683.1, NM_001406682.1); c.3768+1G>A (NM_001406687.1, NM_001406688.1); c.3156+1G>A (NM_001406689.1); c.3096+1G>A (NM_001406690.1); and 26 more.
Identifiers: ClinVar variation 448732 (VCV000448732.12), dbSNP rs1060500972, ClinGen allele CA394303133.

ClinVar aggregate classification (germline): Pathogenic/Likely pathogenic. Review status: criteria provided, multiple submitters, no conflicts (2 of 4 stars). 5 submissions from 5 submitters: Pathogenic (3); Likely pathogenic (2). Last evaluated 2024-10-10.

Conditions:
Isolated focal cortical dysplasia type II (FCORD2). Also called: Focal cortical dysplasia type II; CORTICAL DYSPLASIA OF TAYLOR. Identifiers: Orphanet 268994, MedGen C1846385, MONDO:0011818, OMIM 607341, HP:0032051.
Tuberous sclerosis 2 (TSC2). Identifiers: Orphanet 805, MedGen C1860707, MONDO:0013199, OMIM 613254.

Submissions (5):

Victorian Clinical Genetics Services, Murdoch Childrens Research Institute
Classification: Pathogenic for Tuberous sclerosis 2. Last evaluated: 2024-10-10. Review status: criteria provided, single submitter. Criteria: ACMG Guidelines, 2015. Collection method: clinical testing. Allele origin: germline. Inheritance: Autosomal dominant inheritance. Affected: yes.
Comment: Based on the classification scheme VCGS_Germline_v1.3.5, this variant is classified as Pathogenic. Following criteria are met: 0102 - Loss of function is a known mechanism of disease in this gene and is associated with tuberous sclerosis-2 (MIM#613254). (I) 0107 - This gene is associated with autosomal dominant disease. (I) 0115 - Variants in this gene are known to have variable expressivity. Clinical manifestations demonstrate great phenotypic variability, where even within families the clinical symptoms can vary significantly among individuals (PMID: 31018109). (I) 0211 - Canonical splice site variant without proven consequence on splicing (no functional evidence available). (SP) 0251 - This variant is heterozygous. (I) 0301 - Variant is absent from gnomAD (v2, v3 and v4). (SP) 0505 - Abnormal splicing is predicted by in silico tools and affected nucleotide is highly conserved. (SP) 0701 - Other splice variants comparable to the one identified in this case have very strong previous evidence for pathogenicity. c.4569+1G>T has been reported once as likely pathogenic (ClinVar). c.4569+2T>C has been reported in one individual with tuberous sclerosis and classified as pathogenic (PMID: 29476190) and has been submitted to ClinVar twice as likely pathogenic. c.4569+1G>C has been reported once as pathogenic in an individual with tuberous sclerosis (PMID: 31525612). c.4569+2T>A and c.4569+2T>G have also each been reported once as likely pathogenic (ClinVar). (SP) 0801 - This variant has strong previous evidence of pathogenicity in unrelated individuals. This variant has been reported as likley pathogenic twice and pathogenic twice (ClinVar) and in an individual fetus diagnosed with tuberous sclerosis (PMID: 38806662). (SP) 1007 - No published functional evidence has been identified for this variant. (SP) Legend: (SP) - Supporting pathogenic, (I) - Information, (SB) - Supporting benign

Baylor Genetics
Classification: Likely pathogenic for Isolated focal cortical dysplasia type II. Last evaluated: 2024-02-07. Review status: criteria provided, single submitter. Criteria: ACMG Guidelines, 2015. Collection method: clinical testing. Allele origin: unknown.

Labcorp Genetics (formerly Invitae), Labcorp
Classification: Pathogenic for Tuberous sclerosis 2. Last evaluated: 2023-10-03. Review status: criteria provided, single submitter. Criteria: Invitae Variant Classification Sherloc (09022015). Collection method: clinical testing. Allele origin: germline.
Comment: This sequence change affects a donor splice site in intron 35 of the TSC2 gene. It is expected to disrupt RNA splicing. Variants that disrupt the donor or acceptor splice site typically lead to a loss of protein function (PMID: 16199547), and loss-of-function variants in TSC2 are known to be pathogenic (PMID: 10205261, 17304050). This variant is not present in population databases (gnomAD no frequency). Disruption of this splice site has been observed in individual(s) with tuberous sclerosis complex (PMID: 29476190, 31525612). ClinVar contains an entry for this variant (Variation ID: 448732). Algorithms developed to predict the effect of sequence changes on RNA splicing suggest that this variant may disrupt the consensus splice site. For these reasons, this variant has been classified as Pathogenic.

GeneDx
Classification: Pathogenic. Last evaluated: 2023-08-29. Review status: criteria provided, single submitter. Criteria: GeneDx Variant Classification Process June 2021. Collection method: clinical testing. Allele origin: germline. Affected: yes.
Comment: Canonical splice site variant predicted to result in a null allele in a gene for which loss-of-function is a known mechanism of disease; Not observed in large population cohorts (gnomAD); Has not been previously published as pathogenic or benign to our knowledge

Athena Diagnostics
Classification: Likely pathogenic. Last evaluated: 2017-05-08. Review status: criteria provided, single submitter. Criteria: Athena Diagnostics Criteria. Collection method: clinical testing. Allele origin: germline.

Literature cited by the submitters: PubMed 29476190 (cited by Victorian Clinical Genetics Services, Murdoch Childrens Research Institute and Labcorp Genetics (formerly Invitae), Labcorp); PubMed 31018109 (cited by Victorian Clinical Genetics Services, Murdoch Childrens Research Institute); PubMed 31525612 (cited by Victorian Clinical Genetics Services, Murdoch Childrens Research Institute and Labcorp Genetics (formerly Invitae), Labcorp); PubMed 38806662 (cited by Victorian Clinical Genetics Services, Murdoch Childrens Research Institute); PubMed 16199547 (cited by Labcorp Genetics (formerly Invitae), Labcorp); PubMed 10205261 (cited by Labcorp Genetics (formerly Invitae), Labcorp); PubMed 17304050 (cited by Labcorp Genetics (formerly Invitae), Labcorp).